The following is an entry in ClinVar:

ClinVar aggregate classification (germline): Uncertain significance. Review status: criteria provided, multiple submitters, no conflicts (2 of 4 stars). 3 submissions from 3 submitters: Uncertain significance (2). 1 of the submissions does not count toward it. Last evaluated 2022-10-22.

Conditions:
Mucopolysaccharidosis, MPS-III-B (MPS3B). Also called: MPS III B; MUCOPOLYSACCHARIDOSIS, TYPE IIIB; N-ACETYL-ALPHA-D-GLUCOSAMINIDASE DEFICIENCY; NAGLU DEFICIENCY; SANFILIPPO SYNDROME B; Mucopolysaccharidosis type IIIB (Sanfilippo B). Identifiers: Orphanet 79270, MedGen C0086648, MONDO:0009656, OMIM 252920.
Charcot-Marie-Tooth disease axonal type 2V. Also called: CHARCOT-MARIE-TOOTH NEUROPATHY, TYPE 2V; CHARCOT-MARIE-TOOTH DISEASE, AXONAL, AUTOSOMAL DOMINANT, TYPE 2V. Identifiers: Orphanet 447964, MedGen C5569050, MONDO:0014665, OMIM 616491.

Allele frequency attached by ClinVar (database versions not stated): gnomAD below 0.00001 and 0.00001; TOPMed below 0.00001; gnomAD exomes 0.00003 and 0.00008; ExAC 0.00010.

Submissions (3):

Labcorp Genetics (formerly Invitae), Labcorp
Classification: Uncertain significance for Charcot-Marie-Tooth disease axonal type 2V; Mucopolysaccharidosis, MPS-III-B. Last evaluated: 2022-10-22. Review status: criteria provided, single submitter. Criteria: Invitae Variant Classification Sherloc (09022015). Collection method: clinical testing. Allele origin: germline.
Comment: This sequence change creates a premature translational stop signal (p.Trp743*) in the NAGLU gene. While this is not anticipated to result in nonsense mediated decay, it is expected to disrupt the last 1 amino acid(s) of the NAGLU protein. This variant is present in population databases (rs749371796, gnomAD 0.04%). This variant has not been reported in the literature in individuals affected with NAGLU-related conditions. ClinVar contains an entry for this variant (Variation ID: 557997). Experimental studies and prediction algorithms are not available or were not evaluated, and the functional significance of this variant is currently unknown. In summary, the available evidence is currently insufficient to determine the role of this variant in disease. Therefore, it has been classified as a Variant of Uncertain Significance.

Revvity Omics, Revvity
Classification: Uncertain significance. Last evaluated: 2021-04-12. Review status: criteria provided, single submitter. Criteria: ACMG Guidelines, 2015. Collection method: clinical testing. Allele origin: germline.

Counsyl
Classification: Uncertain significance for Mucopolysaccharidosis, MPS-III-B. Last evaluated: 2018-04-23. Review status: no assertion criteria provided. Collection method: clinical testing. Allele origin: unknown. Not counted in ClinVar's aggregate classification.

NM_000263.4(NAGLU):c.2229G>A (p.Trp743Ter)

Gene: NAGLU (N-acetyl-alpha-glucosaminidase; plus strand). Cytogenetic location: 17q21.2.
Variant type: single nucleotide variant.
Coding change: c.2229G>A on transcript NM_000263.4 (MANE Select); coding-DNA position 2229, G replaced by A.
Protein change: p.Trp743Ter; replaces tryptophan 743 with a stop codon.
Molecular consequence: nonsense.
Genome position (GRCh38, 1-based): chr17:42,544,235, G>A. VCF-style: chr17-42544235-G-A. GRCh37 (hg19) VCF-style: chr17-40696253-G-A.
Other names: short protein forms W743*.
Identifiers: ClinVar variation 557997 (VCV000557997.7), dbSNP rs749371796, ClinGen allele CA8577165.
Genomic context (GRCh38, chr17:42,544,235, plus strand): 5'-TGTGGACCTGGCCAAGAAGATCTTCCTCAAATATTACCCCCGCTGGGTGGCCGGCTCTTG[G>A]TGATAGATTCGCCACCACTGGGCCTTGTTTTCCGCTAATTCCAGGGCAGATTCCAGGGCC-3'